The following is an entry in ClinVar:

ClinVar aggregate classification (germline): Likely benign (1 of 4 stars; one submission).

gnomAD v4.1: 1 of 1,211,882 alleles (0.000083%); no homozygotes.

Submission:

CeGaT Center for Human Genetics Tuebingen
Classification: Likely benign. Last evaluated: 2025-04-01. Review status: criteria provided, single submitter. Criteria: CeGaT Center For Human Genetics Tuebingen Variant Classification Criteria Version 2. Collection method: clinical testing. Allele origin: germline. Affected: yes. Observed: 1 variant allele.
Comment: PCDH19: BP4, BP7

NM_001184880.2(PCDH19):c.354G>A (p.Glu118=)

Gene: PCDH19 (protocadherin 19; minus strand). Cytogenetic location: Xq22.1.
Variant type: single nucleotide variant.
Coding change: c.354G>A on transcript NM_001184880.2 (MANE Select); coding-DNA position 354, G replaced by A.
Protein change: p.Glu118=; no amino-acid change (glutamic acid 118 retained).
Molecular consequence: synonymous variant.
Genome position (GRCh38, 1-based): chrX:100,408,244, C>T on the plus strand (G>A on the coding strand, the complement: PCDH19 is on the minus strand). VCF-style: chrX-100408244-C-T. GRCh37 (hg19) VCF-style: chrX-99663242-C-T.
Other names: c.354G>A, p.Glu118= (NM_001105243.2, NM_020766.3).
Identifiers: ClinVar variation 3778609 (VCV003778609.7).